The following is an entry in ClinVar:

NM_014727.3(KMT2B):c.2596C>A (p.Pro866Thr)

Gene: KMT2B (lysine methyltransferase 2B; plus strand). Cytogenetic location: 19q13.12.
Variant type: single nucleotide variant.
Coding change: c.2596C>A on transcript NM_014727.3 (MANE Select); coding-DNA position 2596, C replaced by A.
Protein change: p.Pro866Thr; replaces proline 866 with threonine.
Molecular consequence: missense variant.
Genome position (GRCh38, 1-based): chr19:35,722,592, C>A. VCF-style: chr19-35722592-C-A. GRCh37 (hg19) VCF-style: chr19-36213494-C-A.
Other names: short protein forms P866T.
Identifiers: ClinVar variation 4975770 (VCV004975770.1).

ClinVar aggregate classification (germline): Uncertain significance (1 of 4 stars; one submission).

Submission:

GeneDx
Classification: Uncertain significance. Last evaluated: 2026-01-27. Review status: criteria provided, single submitter. Criteria: GeneDx Variant Classification Process June 2021. Collection method: clinical testing. Allele origin: germline.
Comment: Not observed at significant frequency in large population cohorts (gnomAD); In silico analysis supports that this missense variant has a deleterious effect on protein structure/function; Has not been previously published as pathogenic or benign to our knowledge